The following is an entry in ClinVar:

ClinVar aggregate classification (germline): Pathogenic/Likely pathogenic. Review status: criteria provided, multiple submitters, no conflicts (2 of 4 stars). 6 submissions from 6 submitters: Pathogenic (3); Likely pathogenic (3). Last evaluated 2026-01-28.

Conditions:
Hereditary cancer-predisposing syndrome. Also called: Tumor predisposition; Neoplastic Syndromes, Hereditary; Hereditary Cancer Syndrome; Hereditary neoplastic syndrome. Identifiers: Orphanet 140162, MedGen C0027672, MeSH D009386, MONDO:0015356.
Fumarase deficiency (FMRD). Also called: Fumaric aciduria; Fumarate Hydratase Deficiency. Identifiers: Orphanet 24, MedGen C0342770, MONDO:0011730, OMIM 606812.
Hereditary leiomyomatosis and renal cell cancer. Also called: MULTIPLE CUTANEOUS AND UTERINE LEIOMYOMATA 1, WITH OR WITHOUT RENAL CELL CARCINOMA; LEIOMYOMA, MULTIPLE CUTANEOUS; Familial leiomyomatosis; Multiple cutaneous leiomyomas; FH tumor predisposition syndrome; Reed syndrome. Identifiers: Orphanet 523, MedGen C1708350, MONDO:0007888, OMIM 150800, HP:0007437. Disease mechanism: loss of function.

Allele frequency attached by ClinVar (database versions not stated): gnomAD exomes below 0.00001 and 0.00001; TOPMed below 0.00001; ESP Exome Variant Server 0.00008.

Submissions (6):

Labcorp Genetics (formerly Invitae), Labcorp
Classification: Pathogenic. Last evaluated: 2026-01-28. Review status: criteria provided, single submitter. Criteria: Invitae Variant Classification Sherloc (09022015). Collection method: clinical testing. Allele origin: germline.
Comment: This sequence change replaces threonine, which is neutral and polar, with alanine, which is neutral and non-polar, at codon 234 of the FH protein (p.Thr234Ala). This variant is present in population databases (rs372505976, gnomAD 0.003%). This missense change has been observed in individuals with clinical features of hereditary leiomyomatosis and renal cell cancer (HLRCC) and/or pheochromocytoma (PMID: 30050099; external communication, internal data). ClinVar contains an entry for this variant (Variation ID: 184555). Invitae Evidence Modeling of protein sequence and biophysical properties (such as structural, functional, and spatial information, amino acid conservation, physicochemical variation, residue mobility, and thermodynamic stability) indicates that this missense variant is expected to disrupt FH protein function with a positive predictive value of 95%. This variant disrupts the p.Thr234 amino acid residue in FH. Other variant(s) that disrupt this residue have been observed in individuals with FH-related conditions (internal data), which suggests that this may be a clinically significant amino acid residue. For these reasons, this variant has been classified as Pathogenic.

Baylor Genetics
Classification: Pathogenic for Fumarase deficiency. Last evaluated: 2023-07-22. Review status: criteria provided, single submitter. Criteria: ACMG Guidelines, 2015. Collection method: clinical testing. Allele origin: unknown.

Myriad Genetics, Inc.
Classification: Likely pathogenic for Hereditary leiomyomatosis and renal cell cancer. Last evaluated: 2023-07-10. Review status: criteria provided, single submitter. Criteria: Myriad Autosomal Dominant, Autosomal Recessive and X-Linked Classification Criteria (2023). Collection method: clinical testing. Allele origin: unknown.
Comment: This variant is considered likely pathogenic. This variant has been reported in multiple individuals with clinical features of gene-specific disease [PMID: 34994643, 30050099, 36773955].

GeneDx
Classification: Likely pathogenic. Last evaluated: 2023-06-29. Review status: criteria provided, single submitter. Criteria: GeneDx Variant Classification Process June 2021. Collection method: clinical testing. Allele origin: germline. Affected: yes.
Comment: In silico analysis supports that this missense variant has a deleterious effect on protein structure/function; Not observed at significant frequency in large population cohorts (gnomAD); This variant is associated with the following publications: (PMID: 30050099, 36773955, 24334767, 28552549, 25004247, 34994643, 35993574, 31212687)

Ambry Genetics
Classification: Pathogenic for Hereditary cancer-predisposing syndrome. Last evaluated: 2023-03-28. Review status: criteria provided, single submitter. Criteria: Ambry Variant Classification Scheme 2023. Collection method: clinical testing. Allele origin: germline.
Comment: The p.T234A variant (also known as c.700A>G), located in coding exon 5 of the FH gene, results from an A to G substitution at nucleotide position 700. The threonine at codon 234 is replaced by alanine, an amino acid with similar properties. This alteration has been identified in numerous patients with a personal and/or family history of pheochromocytomas or paragangliomas, including tumors with a loss of fumarate hydratase staining in immunohistochemistry experiments (Ambry internal data; Richter S et al. Genet. Med. 2018 Jul; Fuchs TL et al. Am J Surg Pathol 2023 Jan;47(1):25-36; Zavoshi S et al. Urology 2023 Feb.). Based on internal structural analysis, this amino acid sits at the interface of two monomer subunits and this substitution is anticipated to result in a significant decrease in structural stability (Baugh L et al. Tuberculosis (Edinb). 2015 Mar;95:142-8; Ambry internal data). This amino acid position is highly conserved in available vertebrate species. In addition, this alteration is predicted to be deleterious by in silico analysis. Based on the supporting evidence, this alteration is interpreted as a disease-causing mutation in association with PPGL, however its association with other features of hereditary leiomyomatosis and renal cell carcinoma syndrome is unclear.

Fulgent Genetics
Classification: Likely pathogenic for Hereditary leiomyomatosis and renal cell cancer; Fumarase deficiency. Last evaluated: 2021-11-18. Review status: criteria provided, single submitter. Criteria: ACMG Guidelines, 2015. Collection method: clinical testing. Allele origin: unknown.

Literature cited by the submitters: PubMed 30050099 (cited by 3 submitters); PubMed 34994643 (cited by Myriad Genetics, Inc.); PubMed 36773955 (cited by Myriad Genetics, Inc. and Ambry Genetics); PubMed 24334767 (cited by Ambry Genetics); PubMed 25004247 (cited by Ambry Genetics); PubMed 35993574 (cited by Ambry Genetics).

NM_000143.4(FH):c.700A>G (p.Thr234Ala)

Gene: FH (fumarate hydratase; minus strand). Cytogenetic location: 1q43.
Variant type: single nucleotide variant.
Coding change: c.700A>G on transcript NM_000143.4 (MANE Select); coding-DNA position 700, A replaced by G.
Protein change: p.Thr234Ala; replaces threonine 234 with alanine.
Molecular consequence: missense variant.
Genome position (GRCh38, 1-based): chr1:241,508,641, T>C on the plus strand (A>G on the coding strand, the complement: FH is on the minus strand). VCF-style: chr1-241508641-T-C. GRCh37 (hg19) VCF-style: chr1-241671941-T-C.
Other names: p.T234A:ACT>GCT; short protein forms T234A.
Identifiers: ClinVar variation 184555 (VCV000184555.54), dbSNP rs372505976, ClinGen allele CA189288.